The following is an entry in ClinVar:

ClinVar aggregate classification (germline): Uncertain significance (1 of 4 stars; one submission).

Conditions:
Hereditary cancer-predisposing syndrome. Also called: Tumor predisposition; Hereditary Cancer Syndrome; Neoplastic Syndromes, Hereditary; Hereditary neoplastic syndrome. Identifiers: Orphanet 140162, MedGen C0027672, MeSH D009386, MONDO:0015356.

Allele frequency attached by ClinVar (database versions not stated): gnomAD exomes below 0.00001.
gnomAD v4.1: 2 of 1,614,048 alleles (0.00012%); highest among the groups gnomAD compares: Non-Finnish European, 0.00017%; no homozygotes.

Submission:

Ambry Genetics
Classification: Uncertain significance for Hereditary cancer-predisposing syndrome. Last evaluated: 2018-06-08. Review status: criteria provided, single submitter. Criteria: Ambry Variant Classification Scheme 2023. Collection method: clinical testing. Allele origin: germline.
Comment: The p.Q283E variant (also known as c.847C>G), located in coding exon 8 of the FANCC gene, results from a C to G substitution at nucleotide position 847. The glutamine at codon 283 is replaced by glutamic acid, an amino acid with highly similar properties. This amino acid position is poorly conserved in available vertebrate species. In addition, this alteration is predicted to be tolerated by in silico analysis. Since supporting evidence is limited at this time, the clinical significance of this alteration remains unclear.

NM_000136.3(FANCC):c.847C>G (p.Gln283Glu)

Genes: FANCC (FA complementation group C; minus strand), AOPEP (aminopeptidase O (putative); plus strand). Cytogenetic location: 9q22.32.
Variant type: single nucleotide variant.
Coding change: c.847C>G on transcript NM_000136.3 (MANE Select); coding-DNA position 847, C replaced by G.
Protein change: p.Gln283Glu; replaces glutamine 283 with glutamic acid.
Molecular consequence: missense variant.
Genome position (GRCh38, 1-based): chr9:95,126,578, G>C on the plus strand (C>G on the coding strand, the complement: FANCC is on the minus strand). VCF-style: chr9-95126578-G-C. GRCh37 (hg19) VCF-style: chr9-97888860-G-C.
Other names: c.847C>G, p.Gln283Glu (NM_001243743.2, NM_001243744.2); short protein forms Q283E.
Identifiers: ClinVar variation 822486 (VCV000822486.4), dbSNP rs1564667865, ClinGen allele CA374109151.